The following is an entry in ClinVar:

ClinVar aggregate classification (germline): Pathogenic (1 of 4 stars; one submission).

Submission:

GeneDx
Classification: Pathogenic. Last evaluated: 2025-10-22. Review status: criteria provided, single submitter. Criteria: GeneDx Variant Classification Process June 2021. Collection method: clinical testing. Allele origin: germline. Affected: yes.
Comment: Frameshift variant predicted to result in protein truncation or nonsense mediated decay in a gene for which loss of function is a known mechanism of disease; Not observed at significant frequency in large population cohorts (gnomAD); Has not been previously published as pathogenic or benign to our knowledge

NM_001040142.2(SCN2A):c.3195dup (p.Asn1066fs)

Gene: SCN2A (sodium voltage-gated channel alpha subunit 2; plus strand). Cytogenetic location: 2q24.3.
Variant type: Duplication.
Coding change: c.3195dup on transcript NM_001040142.2 (MANE Select); coding-DNA position 3195, one base duplicated (C; older notation c.3195dupC).
Protein change: p.Asn1066fs; shifts the reading frame from asparagine 1066.
Molecular consequence: frameshift variant.
Genome position (GRCh38, 1-based): chr2:165,354,467, C duplicated. VCF-style (leftmost placement, unchanged base first): chr2-165354466-T-TC. GRCh37 (hg19) VCF-style: chr2-166210976-T-TC.
Other names: c.3195dup, p.Asn1066fs (NM_001040143.2, NM_001371246.1, NM_001371247.1 and 1 more transcripts); short protein forms N1066fs.
Identifiers: ClinVar variation 4536628 (VCV004536628.1).